The following is an entry in ClinVar:

NM_001367624.2(ZNF469):c.5789A>G (p.Gln1930Arg)

Gene: ZNF469 (zinc finger protein 469; plus strand). Cytogenetic location: 16q24.2.
Variant type: single nucleotide variant.
Coding change: c.5789A>G on transcript NM_001367624.2 (MANE Select); coding-DNA position 5789, A replaced by G.
Protein change: p.Gln1930Arg; replaces glutamine 1930 with arginine.
Molecular consequence: missense variant.
Genome position (GRCh38, 1-based): chr16:88,433,259, A>G. VCF-style: chr16-88433259-A-G. GRCh37 (hg19) VCF-style: chr16-88499667-A-G.
Other names: short protein forms Q1930R.
Identifiers: ClinVar variation 1683566 (VCV001683566.2), dbSNP rs2142308428, ClinGen allele CA397102400.

ClinVar aggregate classification (germline): Uncertain significance (1 of 4 stars; one submission).

Conditions:
Brittle cornea syndrome 1 (BCS1). Also called: CORNEAL FRAGILITY, KERATOGLOBUS, BLUE SCLERAE, JOINT HYPEREXTENSIBILITY; EDS6B; FRAGILITAS OCULI WITH JOINT HYPEREXTENSIBILITY; Corneal fragility keratoglobus, blue sclerae AND joint hypermobility; DYSGENESIS MESODERMALIS CORNEAE ET SCLERAE. Identifiers: Orphanet 90354, MedGen C0268344, MONDO:0024543, OMIM 229200.

Allele frequency attached by ClinVar (database versions not stated): gnomAD exomes below 0.00001.
gnomAD v4.1: 1 of 1,550,356 alleles (0.000065%); highest among the groups gnomAD compares: Non-Finnish European, 0.000087%; no homozygotes.

Submission:

Laboratorio de Genetica e Diagnostico Molecular, Hospital Israelita Albert Einstein
Classification: Uncertain significance for Brittle cornea syndrome 1. Last evaluated: 2022-02-01. Review status: criteria provided, single submitter. Criteria: ACMG Guidelines, 2015. Collection method: clinical testing. Allele origin: germline. Affected: yes.
Comment: ACMG classification criteria: PM2, BP4